The following is an entry in ClinVar:

ClinVar aggregate classification (germline): Uncertain significance (1 of 4 stars; one submission).

Conditions:
Aortic aneurysm, familial thoracic 7 (AAT7). Also called: AORTIC DISSECTION, FAMILIAL, WITH OR WITHOUT AORTIC ANEURYSM. Identifiers: MedGen C3151077, MONDO:0013418, OMIM 613780.

gnomAD v4.1: 2 of 1,613,644 alleles (0.00012%); highest among the groups gnomAD compares: Non-Finnish European, 0.00017%; no homozygotes.

Submission:

Labcorp Genetics (formerly Invitae), Labcorp
Classification: Uncertain significance for Aortic aneurysm, familial thoracic 7. Last evaluated: 2024-10-08. Review status: criteria provided, single submitter. Criteria: Invitae Variant Classification Sherloc (09022015). Collection method: clinical testing. Allele origin: germline.
Comment: This sequence change replaces proline, which is neutral and non-polar, with arginine, which is basic and polar, at codon 1049 of the MYLK protein (p.Pro1049Arg). This variant is present in population databases (no rsID available, gnomAD 0.007%). This variant has not been reported in the literature in individuals affected with MYLK-related conditions. Invitae Evidence Modeling of protein sequence and biophysical properties (such as structural, functional, and spatial information, amino acid conservation, physicochemical variation, residue mobility, and thermodynamic stability) indicates that this missense variant is not expected to disrupt MYLK protein function with a negative predictive value of 95%. In summary, the available evidence is currently insufficient to determine the role of this variant in disease. Therefore, it has been classified as a Variant of Uncertain Significance.

NM_053025.4(MYLK):c.3146C>G (p.Pro1049Arg)

Gene: MYLK (myosin light chain kinase; minus strand). Cytogenetic location: 3q21.1.
Variant type: single nucleotide variant.
Coding change: c.3146C>G on transcript NM_053025.4 (MANE Select); coding-DNA position 3146, C replaced by G.
Protein change: p.Pro1049Arg; replaces proline 1049 with arginine.
Molecular consequence: missense variant.
Genome position (GRCh38, 1-based): chr3:123,700,322, G>C on the plus strand (C>G on the coding strand, the complement: MYLK is on the minus strand). VCF-style: chr3-123700322-G-C. GRCh37 (hg19) VCF-style: chr3-123419169-G-C.
Other names: c.2618C>G, p.Pro873Arg (NM_001321309.2); c.2939C>G, p.Pro980Arg (NM_053026.4, NM_053028.4); c.3146C>G, p.Pro1049Arg (NM_053027.4); short protein forms P1049R, P873R, P980R.
Identifiers: ClinVar variation 3606257 (VCV003606257.2).
Genomic context (GRCh38, chr3:123,700,322, plus strand): 5'-TTCTTGAGTTCTTCTTTGCTAGCGGATTTCAGGTTCTCATCAGGCTTGGCATTGCCCATG[G>C]GCTTCAGGGTCTCGGCAGGCTTGGCGTTGCCCATTGGCTTCAGGGTCTCAGCAGGCTTGG-3'
Protein context (NP_444253.3, residues 1039-1059): GNAKPAETLK[Pro1049Arg]MGNAKPDENL